The following is an entry in ClinVar:

NM_152383.5(DIS3L2):c.1376C>G (p.Ser459Cys)

Gene: DIS3L2 (DIS3 like 3'-5' exoribonuclease 2; plus strand). Cytogenetic location: 2q37.1.
Variant type: single nucleotide variant.
Coding change: c.1376C>G on transcript NM_152383.5 (MANE Select); coding-DNA position 1376, C replaced by G.
Protein change: p.Ser459Cys; replaces serine 459 with cysteine.
Molecular consequence: missense variant. On other transcripts: non-coding transcript variant (2).
Genome position (GRCh38, 1-based): chr2:232,249,297, C>G. VCF-style: chr2-232249297-C-G. GRCh37 (hg19) VCF-style: chr2-233114007-C-G.
Other names: c.1376C>G, p.Ser459Cys (NM_001257281.2); short protein forms S459C.
Identifiers: ClinVar variation 2768095 (VCV002768095.3), dbSNP rs2470049452, ClinGen allele CA351155475.

ClinVar aggregate classification (germline): Uncertain significance (1 of 4 stars; one submission).

Conditions:
Perlman syndrome (PRLMNS). Identifiers: Orphanet 2849, MedGen C0796113, MONDO:0009965, OMIM 267000.

Allele frequency attached by ClinVar (database versions not stated): gnomAD exomes below 0.00001.
gnomAD v4.1: 1 of 1,614,242 alleles (0.000062%); highest among the groups gnomAD compares: Non-Finnish European, 0.000085%; no homozygotes.

Submission:

Labcorp Genetics (formerly Invitae), Labcorp
Classification: Uncertain significance for Perlman syndrome. Last evaluated: 2023-10-13. Review status: criteria provided, single submitter. Criteria: Invitae Variant Classification Sherloc (09022015). Collection method: clinical testing. Allele origin: germline.
Comment: This sequence change replaces serine, which is neutral and polar, with cysteine, which is neutral and slightly polar, at codon 459 of the DIS3L2 protein (p.Ser459Cys). This variant is not present in population databases (gnomAD no frequency). This variant has not been reported in the literature in individuals affected with DIS3L2-related conditions. Advanced modeling of protein sequence and biophysical properties (such as structural, functional, and spatial information, amino acid conservation, physicochemical variation, residue mobility, and thermodynamic stability) performed at Invitae indicates that this missense variant is not expected to disrupt DIS3L2 protein function. In summary, the available evidence is currently insufficient to determine the role of this variant in disease. Therefore, it has been classified as a Variant of Uncertain Significance.